The following is an entry in ClinVar:

NM_144997.7(FLCN):c.116C>G (p.Pro39Arg)

Gene: FLCN (folliculin; minus strand). Cytogenetic location: 17p11.2.
Variant type: single nucleotide variant.
Coding change: c.116C>G on transcript NM_144997.7 (MANE Select); coding-DNA position 116, C replaced by G.
Protein change: p.Pro39Arg; replaces proline 39 with arginine.
Molecular consequence: missense variant.
Genome position (GRCh38, 1-based): chr17:17,228,022, G>C on the plus strand (C>G on the coding strand, the complement: FLCN is on the minus strand). VCF-style: chr17-17228022-G-C. GRCh37 (hg19) VCF-style: chr17-17131336-G-C.
Other names: c.116C>G (LRG_325t1); c.116C>G, p.Pro39Arg (NM_001353229.2, NM_001353230.2, NM_001353231.2 and 1 more transcripts); short protein forms P39R.
Identifiers: ClinVar variation 485605 (VCV000485605.14), dbSNP rs1197656765, ClinGen allele CA398535297.

ClinVar aggregate classification (germline): Uncertain significance. Review status: criteria provided, multiple submitters, no conflicts (2 of 4 stars). 4 submissions from 4 submitters: Uncertain significance (4). Last evaluated 2025-08-08.

Conditions:
Hereditary cancer-predisposing syndrome. Also called: Hereditary neoplastic syndrome; Neoplastic Syndromes, Hereditary; Tumor predisposition; Hereditary Cancer Syndrome. Identifiers: Orphanet 140162, MedGen C0027672, MeSH D009386, MONDO:0015356.
Birt-Hogg-Dube syndrome. Also called: Birt Hogg Dubé syndrome. Identifiers: Orphanet 122, MedGen C0346010, MONDO:0800444.
Nonpapillary renal cell carcinoma. Identifiers: Orphanet 422526, MedGen CN074294, MONDO:0007763, OMIM 144700.
Colorectal cancer. Also called: Malignant Colorectal Neoplasm; Colorectal cancer, somatic. Identifiers: MedGen C0346629, MONDO:0005575, OMIM 114500.
Familial spontaneous pneumothorax (PSP). Identifiers: Orphanet 2903, MedGen C1868193, MONDO:0008259, OMIM 173600.
Birt-Hogg-Dube syndrome 1 (BHD1). Also called: FIBROFOLLICULOMAS WITH TRICHODISCOMAS AND ACROCHORDONS. Identifiers: Orphanet 122, MedGen CN375946, MONDO:0800445, OMIM 135150.

Allele frequency attached by ClinVar (database versions not stated): gnomAD 0.00001; TOPMed 0.00001.
gnomAD v4.1: 2 of 1,613,858 alleles (0.00012%); highest among the groups gnomAD compares: South Asian, 0.0011%; no homozygotes.

Submissions (4):

Labcorp Genetics (formerly Invitae), Labcorp
Classification: Uncertain significance for Birt-Hogg-Dube syndrome. Last evaluated: 2025-08-08. Review status: criteria provided, single submitter. Criteria: Invitae Variant Classification Sherloc (09022015). Collection method: clinical testing. Allele origin: germline.
Comment: This sequence change replaces proline, which is neutral and non-polar, with arginine, which is basic and polar, at codon 39 of the FLCN protein (p.Pro39Arg). This variant is present in population databases (no rsID available, gnomAD 0.007%). This variant has not been reported in the literature in individuals affected with FLCN-related conditions. ClinVar contains an entry for this variant (Variation ID: 485605). An algorithm developed to predict the effect of missense changes on protein structure and function (PolyPhen-2) suggests that this variant is likely to be tolerated. In summary, the available evidence is currently insufficient to determine the role of this variant in disease. Therefore, it has been classified as a Variant of Uncertain Significance.

Ambry Genetics
Classification: Uncertain significance for Hereditary cancer-predisposing syndrome. Last evaluated: 2025-06-20. Review status: criteria provided, single submitter. Criteria: Ambry Variant Classification Scheme 2023. Collection method: clinical testing. Allele origin: germline.
Comment: The p.P39R variant (also known as c.116C>G), located in coding exon 1 of the FLCN gene, results from a C to G substitution at nucleotide position 116. The proline at codon 39 is replaced by arginine, an amino acid with dissimilar properties. This amino acid position is not well conserved in available vertebrate species. In addition, the in silico prediction for this alteration is inconclusive. Since supporting evidence is limited at this time, the clinical significance of this alteration remains unclear.

GeneDx
Classification: Uncertain significance. Last evaluated: 2025-02-25. Review status: criteria provided, single submitter. Criteria: GeneDx Variant Classification Process June 2021. Collection method: clinical testing. Allele origin: germline.
Comment: Not observed at significant frequency in large population cohorts (gnomAD); In silico analysis indicates that this missense variant does not alter protein structure/function; Has not been previously published as pathogenic or benign to our knowledge

Fulgent Genetics
Classification: Uncertain significance for Colorectal cancer; Birt-Hogg-Dube syndrome 1; Nonpapillary renal cell carcinoma; Familial spontaneous pneumothorax. Last evaluated: 2024-01-12. Review status: criteria provided, single submitter. Criteria: ACMG Guidelines, 2015. Collection method: clinical testing. Allele origin: germline.